The following is an entry in ClinVar:

ClinVar aggregate classification (germline): Uncertain significance. Review status: criteria provided, multiple submitters, no conflicts (2 of 4 stars). 4 submissions from 4 submitters: Uncertain significance (4). Last evaluated 2026-09-10.

Conditions:
ABCC6-related disorder. Also called: ABCC6-related condition.
Arterial calcification, generalized, of infancy, 2. Identifiers: Orphanet 51608, MedGen C3276161, MONDO:0013768, OMIM 614473.
Autosomal recessive inherited pseudoxanthoma elasticum (PXE). Identifiers: Orphanet 758, MedGen CN032334, MONDO:0009925, OMIM 264800.
Pseudoxanthoma elasticum, forme fruste. Also called: Pseudoxanthoma Elasticum, Incomplete; PSEUDOXANTHOMA ELASTICUM, HETEROZYGOUS. Identifiers: Orphanet 758, MedGen C1867450, MONDO:0008333, OMIM 177850.

Allele frequency attached by ClinVar (database versions not stated): ExAC 0.00002; gnomAD exomes 0.00002 and 0.00003; TOPMed 0.00005; gnomAD 0.00006; ESP Exome Variant Server 0.00008.
gnomAD v4.1: 44 of 1,611,734 alleles (0.0027%); highest among the groups gnomAD compares: South Asian, 0.0033%; no homozygotes.

Submissions (4):

PreventionGenetics, part of Exact Sciences
Classification: Uncertain significance for ABCC6-related condition. Last evaluated: 2026-09-10. Review status: criteria provided, single submitter. Criteria: ACMG Guidelines, 2015. Collection method: clinical testing. Allele origin: germline.
Comment: The ABCC6 c.1843G>A variant is predicted to result in the amino acid substitution p.Val615Ile. To our knowledge, this variant has not been reported in the literature. This variant is reported in 0.0039% of alleles in individuals of European (Non-Finnish) descent in gnomAD. At this time, the clinical significance of this variant is uncertain due to the absence of conclusive functional and genetic evidence.

CeGaT Center for Human Genetics Tuebingen
Classification: Uncertain significance. Last evaluated: 2026-08-01. Review status: criteria provided, single submitter. Criteria: CeGaT Center For Human Genetics Tuebingen Variant Classification Criteria Version 2. Collection method: clinical testing. Allele origin: germline. Affected: yes. Observed: 1 variant allele.
Comment: ABCC6: PM2, BP4

Labcorp Genetics (formerly Invitae), Labcorp
Classification: Uncertain significance. Last evaluated: 2022-10-05. Review status: criteria provided, single submitter. Criteria: Invitae Variant Classification Sherloc (09022015). Collection method: clinical testing. Allele origin: germline.
Comment: This sequence change replaces valine, which is neutral and non-polar, with isoleucine, which is neutral and non-polar, at codon 615 of the ABCC6 protein (p.Val615Ile). The frequency data for this variant in the population databases is considered unreliable, as metrics indicate poor data quality at this position in the gnomAD database. This variant has not been reported in the literature in individuals affected with ABCC6-related conditions. ClinVar contains an entry for this variant (Variation ID: 1518499). Advanced modeling of protein sequence and biophysical properties (such as structural, functional, and spatial information, amino acid conservation, physicochemical variation, residue mobility, and thermodynamic stability) performed at Invitae indicates that this missense variant is not expected to disrupt ABCC6 protein function. In summary, the available evidence is currently insufficient to determine the role of this variant in disease. Therefore, it has been classified as a Variant of Uncertain Significance.

Fulgent Genetics
Classification: Uncertain significance for Pseudoxanthoma elasticum, forme fruste; Autosomal recessive inherited pseudoxanthoma elasticum; Arterial calcification, generalized, of infancy, 2. Last evaluated: 2022-03-25. Review status: criteria provided, single submitter. Criteria: ACMG Guidelines, 2015. Collection method: clinical testing. Allele origin: unknown.

NM_001171.6(ABCC6):c.1843G>A (p.Val615Ile)

Gene: ABCC6 (ATP binding cassette subfamily C member 6; minus strand). Cytogenetic location: 16p13.11.
Variant type: single nucleotide variant.
Coding change: c.1843G>A on transcript NM_001171.6 (MANE Select); coding-DNA position 1843, G replaced by A.
Protein change: p.Val615Ile; replaces valine 615 with isoleucine.
Molecular consequence: missense variant. On other transcripts: non-coding transcript variant (1).
Genome position (GRCh38, 1-based): chr16:16,187,148, C>T on the plus strand (G>A on the coding strand, the complement: ABCC6 is on the minus strand). VCF-style: chr16-16187148-C-T. GRCh37 (hg19) VCF-style: chr16-16281005-C-T.
Other names: c.1843G>A (NM_001171.5); c.1501G>A, p.Val501Ile (NM_001351800.1); short protein forms V501I, V615I.
Identifiers: ClinVar variation 1518499 (VCV001518499.12), dbSNP rs372235202, ClinGen allele CA7926141.